The following is an entry in ClinVar:

NM_024870.4(PREX2):c.2385C>T (p.Phe795=)

Gene: PREX2 (phosphatidylinositol-3,4,5-trisphosphate dependent Rac exchange factor 2; plus strand). Cytogenetic location: 8q13.2.
Variant type: single nucleotide variant.
Coding change: c.2385C>T on transcript NM_024870.4 (MANE Select); coding-DNA position 2385, C replaced by T.
Protein change: p.Phe795=; no amino-acid change (phenylalanine 795 retained).
Molecular consequence: synonymous variant.
Genome position (GRCh38, 1-based): chr8:68,097,033, C>T. VCF-style: chr8-68097033-C-T. GRCh37 (hg19) VCF-style: chr8-69009268-C-T.
Other names: c.2385C>T, p.Phe795= (NM_025170.6); c.2385C>T (NM_024870.3).
Identifiers: ClinVar variation 1288091 (VCV001288091.4), dbSNP rs3812458, ClinGen allele CA4773937.

ClinVar aggregate classification (germline): Benign. Review status: criteria provided, multiple submitters, no conflicts (2 of 4 stars). 3 submissions from 3 submitters: Benign (2). 1 of the submissions does not count toward it. Last evaluated 2020-03-26.

Conditions:
PREX2-related disorder. Also called: PREX2-related condition.

Allele frequency attached by ClinVar (database versions not stated): TOPMed 0.25328; gnomAD exomes 0.25861 and 0.26364; gnomAD 0.26277 and 0.26329; ExAC 0.26372; 1000 Genomes Project 0.26617; ESP Exome Variant Server 0.26688; 1000 Genomes Project 30x 0.26905.
gnomAD v4.1: 423,584 of 1,610,826 alleles (26%); highest among the groups gnomAD compares: South Asian, 32%; 56,344 homozygotes.

Submissions (3):

GeneDx
Classification: Benign. Last evaluated: 2020-03-26. Review status: criteria provided, single submitter. Criteria: GeneDx Variant Classification Process June 2021. Collection method: clinical testing. Allele origin: germline. Affected: yes.

Breakthrough Genomics
Classification: Benign. Review status: criteria provided, single submitter. Criteria: ACMG Guidelines, 2015. Collection method: not provided. Allele origin: germline. Inheritance: Unknown mechanism. Affected: yes.

PreventionGenetics, part of Exact Sciences
Classification: Benign for PREX2-related condition. Last evaluated: 2019-10-21. Review status: no assertion criteria provided. Collection method: clinical testing. Allele origin: germline. Not counted in ClinVar's aggregate classification.
Comment: This variant is classified as benign based on ACMG/AMP sequence variant interpretation guidelines (Richards et al. 2015 PMID: 25741868, with internal and published modifications).